The following is an entry in ClinVar:

ClinVar aggregate classification (germline): Pathogenic/Likely pathogenic. Review status: criteria provided, multiple submitters, no conflicts (2 of 4 stars). 2 submissions from 2 submitters: Pathogenic (1); Likely pathogenic (1). Last evaluated 2025-12-15.

Conditions:
Medium-chain acyl-coenzyme A dehydrogenase deficiency (ACADMD). Also called: CARNITINE DEFICIENCY SECONDARY TO MEDIUM-CHAIN ACYL-CoA DEHYDROGENASE DEFICIENCY; MCADD; MCADH DEFICIENCY; Medium chain acyl-CoA dehydrogenase deficiency; MCAD Deficiency; ACADM DEFICIENCY. Identifiers: Orphanet 42, MedGen C0220710, MONDO:0008721, OMIM 201450.

Submissions (2):

Natera, Inc.
Classification: Likely pathogenic for Medium Chain Acyl-CoA Dehydrogenase Deficiency. Last evaluated: 2025-12-15. Review status: criteria provided, single submitter. Criteria: Natera Variant Classification Schema (03/2026). Collection method: clinical testing. Allele origin: germline.
Comment: The c.1042del variant in ACADM is a frameshift variant predicted to shift the reading frame beginning at codon 348 and leads to a stop codon 21 codons downstream. This variant is expected to result in nonsense mediated decay, truncation, or a dysfunctional protein product. This variant is rare in the general population with a frequency below the threshold expected for the associated phenotype(s). Given the available evidence, this variant is classified as Likely Pathogenic.

Labcorp Genetics (formerly Invitae), Labcorp
Classification: Pathogenic for Medium-chain acyl-coenzyme A dehydrogenase deficiency. Last evaluated: 2021-10-03. Review status: criteria provided, single submitter. Criteria: Invitae Variant Classification Sherloc (09022015). Collection method: clinical testing. Allele origin: germline.
Comment: This sequence change creates a premature translational stop signal (p.Arg348Valfs*21) in the ACADM gene. It is expected to result in an absent or disrupted protein product. Loss-of-function variants in ACADM are known to be pathogenic (PMID: 16121256, 20434380). For these reasons, this variant has been classified as Pathogenic. This variant has not been reported in the literature in individuals affected with ACADM-related conditions. This variant is not present in population databases (ExAC no frequency).

Literature cited by the submitters: PubMed 16121256 (cited by Labcorp Genetics (formerly Invitae), Labcorp); PubMed 20434380 (cited by Labcorp Genetics (formerly Invitae), Labcorp).

NM_000016.6(ACADM):c.1042del (p.Arg348fs)

Gene: ACADM (acyl-CoA dehydrogenase medium chain; plus strand). Cytogenetic location: 1p31.1.
Variant type: Deletion.
Coding change: c.1042del on transcript NM_000016.6 (MANE Select); coding-DNA position 1042, one base deleted (C; older notation c.1042delC).
Protein change: p.Arg348fs; shifts the reading frame from arginine 348.
Molecular consequence: frameshift variant.
Genome position (GRCh38, 1-based): chr1:75,761,218, C deleted. VCF-style (leftmost placement, unchanged base first): chr1-75761217-TC-T. GRCh37 (hg19) VCF-style: chr1-76226902-TC-T.
Other names: c.1042del (NM_000016.5); c.1054del, p.Arg352fs (NM_001127328.3); c.934del, p.Arg312fs (NM_001286042.2); c.1141del, p.Arg381fs (NM_001286043.2); c.475del, p.Arg159fs (NM_001286044.2); short protein forms R381fs, R159fs, R312fs, R348fs, R352fs.
Identifiers: ClinVar variation 1420985 (VCV001420985.7), dbSNP rs2100453109, ClinGen allele CA2573132611.
Genomic context (GRCh38, chr1:75,761,217, plus strand): 5'-AATGAAAGTTGAACTAGCTAGAATGAGTTACCAGAGAGCAGCTTGGGAGGTTGATTCTGG[TC>T]GTCGAAATACCTATTATGCTTCTATTGCAAAGGCATTTGCTGGAGATATTGCAAATCAGT-3'